The following is an entry in ClinVar:

ClinVar aggregate classification (germline): Conflicting classifications of pathogenicity. Review status: criteria provided, conflicting classifications (1 of 4 stars). 3 submissions from 3 submitters: Uncertain significance (2); Likely benign (1). Last evaluated 2026-05-06.

Conditions:
USH2A-related disorder. Also called: USH2A-related disorders; USH2A-related condition. Identifiers: MedGen CN239332.
Inborn genetic diseases. Identifiers: MedGen C0950123, MeSH D030342.

Allele frequency attached by ClinVar (database versions not stated): gnomAD exomes below 0.00001; ExAC 0.00001; TOPMed 0.00001.
gnomAD v4.1: 4 of 1,613,806 alleles (0.00025%); highest among the groups gnomAD compares: Admixed American, 0.0017%; no homozygotes.

Submissions (3):

PreventionGenetics, part of Exact Sciences
Classification: Uncertain significance for USH2A-related condition. Last evaluated: 2026-05-06. Review status: criteria provided, single submitter. Criteria: ACMG Guidelines, 2015. Collection method: clinical testing. Allele origin: germline.
Comment: The USH2A c.14912G>A variant is predicted to result in the amino acid substitution p.Arg4971Gln. This variant was reported in an individual with eye disorder, however this patient was positive in PRPF8 gene (Table S1, Weisschuh et al. 2024. PubMed ID: 37734845). This variant is reported in 0.0029% of alleles in individuals of Latino descent in gnomAD. At this time, the clinical significance of this variant is uncertain due to the absence of conclusive functional and genetic evidence.

Labcorp Genetics (formerly Invitae), Labcorp
Classification: Uncertain significance. Last evaluated: 2024-01-15. Review status: criteria provided, single submitter. Criteria: Invitae Variant Classification Sherloc (09022015). Collection method: clinical testing. Allele origin: germline.
Comment: This sequence change replaces arginine, which is basic and polar, with glutamine, which is neutral and polar, at codon 4971 of the USH2A protein (p.Arg4971Gln). This variant is present in population databases (rs776924838, gnomAD 0.003%). This variant has not been reported in the literature in individuals affected with USH2A-related conditions. ClinVar contains an entry for this variant (Variation ID: 1983713). Advanced modeling of protein sequence and biophysical properties (such as structural, functional, and spatial information, amino acid conservation, physicochemical variation, residue mobility, and thermodynamic stability) performed at Invitae indicates that this missense variant is not expected to disrupt USH2A protein function with a negative predictive value of 95%. In summary, the available evidence is currently insufficient to determine the role of this variant in disease. Therefore, it has been classified as a Variant of Uncertain Significance.

Ambry Genetics
Classification: Likely benign for Inborn genetic diseases. Last evaluated: 2022-06-13. Review status: criteria provided, single submitter. Criteria: Ambry Variant Classification Scheme 2023. Collection method: clinical testing. Allele origin: germline.

NM_206933.4(USH2A):c.14912G>A (p.Arg4971Gln)

Gene: USH2A (usherin; minus strand). Cytogenetic location: 1q41.
Variant type: single nucleotide variant.
Coding change: c.14912G>A on transcript NM_206933.4 (MANE Select); coding-DNA position 14912, G replaced by A.
Protein change: p.Arg4971Gln; replaces arginine 4971 with glutamine.
Molecular consequence: missense variant.
Genome position (GRCh38, 1-based): chr1:215,640,614, C>T on the plus strand (G>A on the coding strand, the complement: USH2A is on the minus strand). VCF-style: chr1-215640614-C-T. GRCh37 (hg19) VCF-style: chr1-215813956-C-T.
Other names: short protein forms R4971Q.
Identifiers: ClinVar variation 1983713 (VCV001983713.6), dbSNP rs776924838, ClinGen allele CA1392890.